The following is an entry in ClinVar:

NM_000090.4(COL3A1):c.944G>C (p.Gly315Ala)

Gene: COL3A1 (collagen type III alpha 1 chain; plus strand). Cytogenetic location: 2q32.2.
Variant type: single nucleotide variant.
Coding change: c.944G>C on transcript NM_000090.4 (MANE Select); coding-DNA position 944, G replaced by C.
Protein change: p.Gly315Ala; replaces glycine 315 with alanine.
Molecular consequence: missense variant.
Genome position (GRCh38, 1-based): chr2:188,991,715, G>C. VCF-style: chr2-188991715-G-C. GRCh37 (hg19) VCF-style: chr2-189856441-G-C.
Identifiers: ClinVar variation 101183 (VCV000101183.10), dbSNP rs587779487, ClinGen allele CA007600.

ClinVar aggregate classification (germline): Conflicting classifications of pathogenicity. Review status: criteria provided, conflicting classifications (1 of 4 stars). 4 submissions from 4 submitters: Likely pathogenic (2); Uncertain significance (1). 1 of the submissions does not count toward it. Last evaluated 2023-03-28.

Conditions:
COL3A1-related disorder. Also called: COL3A1-related condition.
Ehlers-Danlos syndrome, type 4 (EDSVASC). Also called: Ehlers-Danlos syndrome vascular type; Ehlers Danlos syndrome, ecchymotic type; Ehlers Danlos syndrome, arterial type; Ehlers Danlos syndrome, Sack-Barabas type; Ehlers-Danlos Syndrome Type IV. Identifiers: Orphanet 286, MedGen C0268338, MONDO:0017314, OMIM 130050.

Allele frequency attached by ClinVar (database versions not stated): gnomAD exomes below 0.00001.
gnomAD v4.1: 2 of 1,613,888 alleles (0.00012%); highest among the groups gnomAD compares: Non-Finnish European, 0.000085%; no homozygotes.

Submissions (4):

All of Us Research Program, National Institutes of Health
Classification: Uncertain significance for Ehlers-Danlos syndrome, type 4. Last evaluated: 2023-03-28. Review status: criteria provided, single submitter. Criteria: ACMG Guidelines, 2015. Collection method: clinical testing. Allele origin: germline. Inheritance: Autosomal dominant inheritance. Observed: 1 variant allele, 1 heterozygote.
Comment: This study involves interpretation of variants in research participants for the purpose of population health screening. Participant phenotype was not available at the time of variant classification. Additional details can be found in publication PMID: 35346344, PMCID: PMC8962531

Blueprint Genetics
Classification: Likely pathogenic for COL3A1-related disorders. Last evaluated: 2022-03-10. Review status: criteria provided, single submitter. Criteria: ACMG Guidelines, 2015. Collection method: clinical testing. Allele origin: germline. Affected: yes. Observed: 2 variant alleles.

Labcorp Genetics (formerly Invitae), Labcorp
Classification: Likely pathogenic for Ehlers-Danlos syndrome, type 4. Last evaluated: 2022-02-17. Review status: criteria provided, single submitter. Criteria: Invitae Variant Classification Sherloc (09022015). Collection method: clinical testing. Allele origin: germline.
Comment: This missense change has been observed in individual(s) with clinical features of Ehlers-Danlos syndrome (PMID: 24922459). This sequence change replaces glycine, which is neutral and non-polar, with alanine, which is neutral and non-polar, at codon 315 of the COL3A1 protein (p.Gly315Ala). This variant is not present in population databases (gnomAD no frequency). ClinVar contains an entry for this variant (Variation ID: 101183). Advanced modeling of protein sequence and biophysical properties (such as structural, functional, and spatial information, amino acid conservation, physicochemical variation, residue mobility, and thermodynamic stability) performed at Invitae indicates that this missense variant is expected to disrupt COL3A1 protein function. This variant disrupts the triple helix domain of COL3A1. Glycine residues within the Gly-Xaa-Yaa repeats of the triple helix domain are required for the structure and stability of fibrillar collagens (PMID: 7695699, 8218237, 19344236). In COL3A1, variants that affect these glycine residues are significantly enriched in individuals with disease (PMID: 24922459, 25758994) compared to the general population (ExAC). In summary, the currently available evidence indicates that the variant is pathogenic, but additional data are needed to prove that conclusively. Therefore, this variant has been classified as Likely Pathogenic.

Collagen Diagnostic Laboratory, University of Washington
Classification: Pathogenic for Ehlers-Danlos syndrome, type 4. Review status: no assertion criteria provided. Collection method: clinical testing. Allele origin: germline. Affected: yes. Not counted in ClinVar's aggregate classification.

Literature cited by the submitters: PubMed 24922459 (cited by Labcorp Genetics (formerly Invitae), Labcorp); PubMed 7695699 (cited by Labcorp Genetics (formerly Invitae), Labcorp); PubMed 8218237 (cited by Labcorp Genetics (formerly Invitae), Labcorp); PubMed 19344236 (cited by Labcorp Genetics (formerly Invitae), Labcorp); PubMed 25758994 (cited by Labcorp Genetics (formerly Invitae), Labcorp).